The following is an entry in ClinVar:

NM_000059.4(BRCA2):c.6529A>G (p.Ile2177Val)

Gene: BRCA2 (BRCA2 DNA repair associated; plus strand). Cytogenetic location: 13q13.1.
Variant type: single nucleotide variant.
Coding change: c.6529A>G on transcript NM_000059.4 (MANE Select); coding-DNA position 6529, A replaced by G.
Protein change: p.Ile2177Val; replaces isoleucine 2177 with valine.
Molecular consequence: missense variant.
Genome position (GRCh38, 1-based): chr13:32,340,884, A>G. VCF-style: chr13-32340884-A-G. GRCh37 (hg19) VCF-style: chr13-32915021-A-G.
Other names: short protein forms I2177V.
Identifiers: ClinVar variation 645401 (VCV000645401.15), dbSNP rs1593908997, ClinGen allele CA387789658.
Genomic context (GRCh38, chr13:32,340,884, plus strand): 5'-CAATTTCAACAAGACAAACAACAGTTGGTATTAGGAACCAAAGTGTCACTTGTTGAGAAC[A>G]TTCATGTTTTGGGAAAAGAACAGGCTTCACCTAAAAACGTAAAAATGGAAATTGGTAAAA-3'
Protein context (NP_000050.3, residues 2167-2187): LGTKVSLVEN[Ile2177Val]HVLGKEQASP

ClinVar aggregate classification (germline): Conflicting classifications of pathogenicity. Review status: criteria provided, conflicting classifications (1 of 4 stars). 4 submissions from 4 submitters: Uncertain significance (3); Likely benign (1). Last evaluated 2025-03-07.

Conditions:
Hereditary breast ovarian cancer syndrome. Also called: Hereditary breast and ovarian cancer syndrome; Hereditary breast and/or ovarian cancer syndrome; Breast and ovarian cancer; BRCA1- and BRCA2-Associated Hereditary Breast and Ovarian Cancer; Hereditary breast and ovarian cancer; Hereditary breast and ovarian cancer syndrome (HBOC). Identifiers: Orphanet 145, MedGen C0677776, MeSH D061325, MONDO:0003582. Disease mechanism: loss of function.
Hereditary cancer-predisposing syndrome. Also called: Neoplastic Syndromes, Hereditary; Hereditary Cancer Syndrome; Hereditary neoplastic syndrome; Tumor predisposition. Identifiers: Orphanet 140162, MedGen C0027672, MeSH D009386, MONDO:0015356.
Breast-ovarian cancer, familial, susceptibility to, 2 (BROVCA2). Also called: BRCA2 Hereditary Breast and Ovarian Cancer. Identifiers: Orphanet 145, MedGen C2675520, MONDO:0012933, OMIM 612555. Disease mechanism: loss of function.

Submissions (4):

Labcorp Genetics (formerly Invitae), Labcorp
Classification: Uncertain significance for Hereditary breast ovarian cancer syndrome. Last evaluated: 2025-03-07. Review status: criteria provided, single submitter. Criteria: Invitae Variant Classification Sherloc (09022015). Collection method: clinical testing. Allele origin: germline.
Comment: This sequence change replaces isoleucine, which is neutral and non-polar, with valine, which is neutral and non-polar, at codon 2177 of the BRCA2 protein (p.Ile2177Val). This variant is not present in population databases (gnomAD no frequency). This variant has not been reported in the literature in individuals affected with BRCA2-related conditions. ClinVar contains an entry for this variant (Variation ID: 645401). Invitae Evidence Modeling of protein sequence and biophysical properties (such as structural, functional, and spatial information, amino acid conservation, physicochemical variation, residue mobility, and thermodynamic stability) indicates that this missense variant is not expected to disrupt BRCA2 protein function with a negative predictive value of 95%. In summary, the available evidence is currently insufficient to determine the role of this variant in disease. Therefore, it has been classified as a Variant of Uncertain Significance.

All of Us Research Program, National Institutes of Health
Classification: Uncertain significance for Breast-ovarian cancer, familial, susceptibility to, 2. Last evaluated: 2023-06-08. Review status: criteria provided, single submitter. Criteria: ACMG Guidelines, 2015. Collection method: clinical testing. Allele origin: germline. Inheritance: Autosomal dominant inheritance. Observed: 1 variant allele, 1 heterozygote.
Comment: This missense variant replaces isoleucine with valine at codon 2177 of the BRCA2 protein. Computational prediction suggests that this variant may not impact protein structure and function (internally defined REVEL score threshold <= 0.5, PMID: 27666373). To our knowledge, functional studies have not been reported for this variant. This variant has been reported in an individual affected with breast cancer (PMID: 33471991; Leiden Open Variation Database DB-ID BRCA2_008470). This variant has not been identified in the general population by the Genome Aggregation Database (gnomAD). The available evidence is insufficient to determine the role of this variant in disease conclusively. Therefore, this variant is classified as a Variant of Uncertain Significance.

This study involves interpretation of variants in research participants for the purpose of population health screening. Participant phenotype was not available at the time of variant classification. Additional details can be found in publication PMID: 35346344, PMCID: PMC8962531

University of Washington Department of Laboratory Medicine, University of Washington
Classification: Likely benign for Hereditary cancer-predisposing syndrome. Last evaluated: 2023-03-23. Review status: criteria provided, single submitter. Criteria: Dines et al. (Genet Med. 2020). Collection method: curation. Allele origin: germline.
Comment: Missense variant in a coldspot region where missense variants are very unlikely to be pathogenic (PMID:31911673).

BRCA2 exon 11 coldspot. Reclassification based on statistical prior probability.

GeneDx
Classification: Uncertain significance. Last evaluated: 2019-10-23. Review status: criteria provided, single submitter. Criteria: GeneDx Variant Classification Process June 2021. Collection method: clinical testing. Allele origin: germline. Affected: yes.
Comment: Has not been previously published as pathogenic or benign to our knowledge; Not observed in large population cohorts (Lek 2016); In silico analysis, which includes protein predictors and evolutionary conservation, supports that this variant does not alter protein structure/function; Also known as BRCA2 6757A>G

Literature cited by the submitters: PubMed 33471991 (cited by All of Us Research Program, National Institutes of Health).